The following is an entry in ClinVar:

NM_002381.5(MATN3):c.364G>A (p.Val122Met)

Gene: MATN3 (matrilin 3; minus strand). Cytogenetic location: 2p24.1.
Variant type: single nucleotide variant.
Coding change: c.364G>A on transcript NM_002381.5 (MANE Select); coding-DNA position 364, G replaced by A.
Protein change: p.Val122Met; replaces valine 122 with methionine.
Molecular consequence: missense variant.
Genome position (GRCh38, 1-based): chr2:20,006,170, C>T on the plus strand (G>A on the coding strand, the complement: MATN3 is on the minus strand). VCF-style: chr2-20006170-C-T. GRCh37 (hg19) VCF-style: chr2-20205931-C-T.
Other names: short protein forms V122M.
Identifiers: ClinVar variation 3021186 (VCV003021186.3), dbSNP rs34379235, ClinGen allele CA43404072.

ClinVar aggregate classification (germline): Uncertain significance (1 of 4 stars; one submission).

Allele frequency attached by ClinVar (database versions not stated): gnomAD 0.00001; TOPMed 0.00001.
gnomAD v4.1: 9 of 1,613,858 alleles (0.00056%); highest among the groups gnomAD compares: African/African-American, 0.004%; no homozygotes.

Submission:

Labcorp Genetics (formerly Invitae), Labcorp
Classification: Uncertain significance. Last evaluated: 2022-12-15. Review status: criteria provided, single submitter. Criteria: Invitae Variant Classification Sherloc (09022015). Collection method: clinical testing. Allele origin: germline.
Comment: This sequence change replaces valine, which is neutral and non-polar, with methionine, which is neutral and non-polar, at codon 122 of the MATN3 protein (p.Val122Met). This variant is not present in population databases (gnomAD no frequency). In summary, the available evidence is currently insufficient to determine the role of this variant in disease. Therefore, it has been classified as a Variant of Uncertain Significance. Advanced modeling of protein sequence and biophysical properties (such as structural, functional, and spatial information, amino acid conservation, physicochemical variation, residue mobility, and thermodynamic stability) performed at Invitae indicates that this missense variant is not expected to disrupt MATN3 protein function. This variant has not been reported in the literature in individuals affected with MATN3-related conditions.